The following is an entry in ClinVar:

NM_153766.3(KCNJ1):c.770G>A (p.Ser257Asn)

Gene: KCNJ1 (potassium inwardly rectifying channel subfamily J member 1; minus strand). Cytogenetic location: 11q24.3.
Variant type: single nucleotide variant.
Coding change: c.770G>A on transcript NM_153766.3 (MANE Select); coding-DNA position 770, G replaced by A.
Protein change: p.Ser257Asn; replaces serine 257 with asparagine.
Molecular consequence: missense variant.
Genome position (GRCh38, 1-based): chr11:128,839,474, C>T on the plus strand (G>A on the coding strand, the complement: KCNJ1 is on the minus strand). VCF-style: chr11-128839474-C-T. GRCh37 (hg19) VCF-style: chr11-128709369-C-T.
Other names: c.827G>A, p.Ser276Asn (NM_000220.6); c.770G>A, p.Ser257Asn (NM_153764.3, NM_153767.4); c.821G>A, p.Ser274Asn (NM_153765.3); short protein forms S257N, S274N, S276N.
Identifiers: ClinVar variation 3378410 (VCV003378410.2).

ClinVar aggregate classification (germline): Likely pathogenic (1 of 4 stars; one submission).

Conditions:
Bartter disease type 2. Also called: HYPOKALEMIC ALKALOSIS WITH HYPERCALCIURIA 2, ANTENATAL; HYPERPROSTAGLANDIN E SYNDROME 2; Bartter syndrome, type 2, antenatal. Identifiers: Orphanet 112, Orphanet 620220, MedGen C1855849, MONDO:0009424, OMIM 241200.

gnomAD v4.1: 3 of 1,614,154 alleles (0.00019%); highest among the groups gnomAD compares: East Asian, 0.0022%; no homozygotes.

Submission:

Molecular Genetics Laboratory, Motol Hospital
Classification: Likely pathogenic for Bartter disease type 2. Last evaluated: 2024-11-20. Review status: criteria provided, single submitter. Criteria: ACMG Guidelines, 2015. Collection method: clinical testing. Allele origin: maternal. Affected: yes. Observed: 1 variant allele.
Comment: The pathogenic/likely pathogenic variants affecting the KCNJ1 gene are well documented as a molecular cause of autosomal recessive Bartter syndrome, type 2 (OMIM:241200) (PMID:19096086;11318951;9727001;9002665;20810575). This variant was published as clinically relevant in an individual with an inherited salt-losing tubulopathy (PMID:20810575). To conclude, the variant is classified as likely pathogenic (ACMG PM2, PM3, PP2, PP3).

Literature cited by the submitters: PubMed 19096086; PubMed 11318951; PubMed 9727001; PubMed 9002665; PubMed 20810575.